The following is an entry in ClinVar:

ClinVar aggregate classification (germline): Uncertain significance. Review status: criteria provided, multiple submitters, no conflicts (2 of 4 stars). 2 submissions from 2 submitters: Uncertain significance (2). Last evaluated 2025-06-19.

Conditions:
Inborn genetic diseases. Identifiers: MedGen C0950123, MeSH D030342.

Allele frequency attached by ClinVar (database versions not stated): gnomAD 0.00001; gnomAD exomes 0.00001; TOPMed 0.00001.
gnomAD v4.1: 18 of 1,577,890 alleles (0.0011%); highest among the groups gnomAD compares: Non-Finnish European, 0.0015%; no homozygotes.

Submissions (2):

Athena Diagnostics
Classification: Uncertain significance. Last evaluated: 2025-06-19. Review status: criteria provided, single submitter. Criteria: Athena Diagnostics Criteria. Collection method: clinical testing. Allele origin: unknown.
Comment: Available data are insufficient to determine the clinical significance of the variant at this time. The frequency of this variant in the general population is uninformative in assessment of its pathogenicity. Polyphen and MutationTaster yielded discordant predictions regarding whether this amino acid change is damaging to the protein.

Ambry Genetics
Classification: Uncertain significance for Inborn genetic diseases. Last evaluated: 2025-04-25. Review status: criteria provided, single submitter. Criteria: Ambry Variant Classification Scheme 2023. Collection method: clinical testing. Allele origin: germline.

NM_006946.4(SPTBN2):c.2194C>A (p.Leu732Ile)

Gene: SPTBN2 (spectrin beta, non-erythrocytic 2; minus strand). Cytogenetic location: 11q13.2.
Variant type: single nucleotide variant.
Coding change: c.2194C>A on transcript NM_006946.4 (MANE Select); coding-DNA position 2194, C replaced by A.
Protein change: p.Leu732Ile; replaces leucine 732 with isoleucine.
Molecular consequence: missense variant.
Genome position (GRCh38, 1-based): chr11:66,705,082, G>T on the plus strand (C>A on the coding strand, the complement: SPTBN2 is on the minus strand). VCF-style: chr11-66705082-G-T. GRCh37 (hg19) VCF-style: chr11-66472553-G-T.
Other names: c.2215C>A, p.Leu739Ile (NM_001411025.1); short protein forms L732I, L739I.
Identifiers: ClinVar variation 2684347 (VCV002684347.3), dbSNP rs1207348240, ClinGen allele CA381478460.